The following is an entry in ClinVar:

NC_012920.1(MT-ND5):m.13375A>G

Gene: MT-ND5 (mitochondrially encoded NADH dehydrogenase 5; plus strand).
Variant type: single nucleotide variant.
Genome position: chrM-13375-A-G.
Identifiers: ClinVar variation 693548 (VCV000693548.1), dbSNP rs1603224165, ClinGen allele CA414817706.
Genomic context (GRCh38, chrMT:13,375, plus strand): 5'-CTGCACATCTGTACCCACGCCTTCTTCAAAGCCATACTATTTATGTGCTCCGGGTCCATC[A>G]TCCACAACCTTAACAATGAACAAGATATTCGAAAAATAGGAGGACTACTCAAAACCATAC-3'

ClinVar aggregate classification (germline): Uncertain significance (1 of 4 stars; one submission).

Conditions:
Leigh syndrome (NULS). Also called: Leigh's necrotizing encephalopathy; Leigh's disease; Leigh Syndrome (mtDNA deletion); Leigh Disease; Subacute necrotizing encephalopathy; Necrotizing encephalopathy infantile subacute of Leigh. Identifiers: Orphanet 506, MedGen C2931891, MONDO:0009723, OMIM 256000.

Submission:

Wong Mito Lab, Molecular and Human Genetics, Baylor College of Medicine
Classification: Uncertain significance for Leigh syndrome. Last evaluated: 2019-10-17. Review status: criteria provided, single submitter. Criteria: Modified ACMG Guidelines (Unpublished). Collection method: clinical testing. Allele origin: germline.
Comment: The NC_012920.1:m.13375A>G (YP_003024036.1:p.Ile347Val) variant in MTND5 gene is interpretated to be a Uncertain Significance variant based on the modified ACMG guidelines (unpublished). This variant meets the following evidence codes: BS1